The following is an entry in ClinVar:

ClinVar aggregate classification (germline): Conflicting classifications of pathogenicity. Review status: criteria provided, conflicting classifications (1 of 4 stars). 14 submissions from 14 submitters: Likely pathogenic (10); Uncertain significance (4). Last evaluated 2026-08-20.

Conditions:
MYH7-related disorder. Also called: MYH7-related condition; MYH7-related disease; MYH7-related disorders.
Cardiovascular phenotype. Identifiers: MedGen CN230736.
Cardiomyopathy (CMYO). Also called: Cardiomyopathies. Identifiers: Orphanet 167848, MedGen C0878544, MONDO:0004994, HP:0001638. Inheritance: Various modes of inheritance.
Hypertrophic cardiomyopathy 1 (CMH1). Also called: Familial hypertrophic cardiomyopathy 1; MYH7-Related Familial Hypertrophic Cardiomyopathy. Identifiers: MedGen C3495498, MONDO:0008647, OMIM 192600.
Hypertrophic cardiomyopathy. Also called: HYPERTROPHIC MYOCARDIOPATHY. Identifiers: Orphanet 217569, MedGen C0007194, MeSH D002312, MONDO:0005045, HP:0001639.
Primary familial hypertrophic cardiomyopathy (HCM). Identifiers: Orphanet 99739, MedGen C0949658, MeSH D024741, MONDO:0024573. Inheritance: Various modes of inheritance.

Allele frequency attached by ClinVar (database versions not stated): gnomAD exomes 0.00001; TOPMed 0.00001; gnomAD 0.00001.

Submissions 1 to 7 of 14:

Ambry Genetics
Classification: Uncertain significance for Cardiovascular phenotype. Last evaluated: 2026-08-20. Review status: criteria provided, single submitter. Criteria: Ambry Variant Classification Scheme 2023. Collection method: clinical testing. Allele origin: germline.
Comment: The p.K207Q variant (also known as c.619A>C), located in coding exon 5 of the MYH7 gene, results from an A to C substitution at nucleotide position 619. The lysine at codon 207 is replaced by glutamine, an amino acid with similar properties. This alteration was reported in the homozygous state in an individual with apical hypertrophic cardiomyopathy (HCM), and in the heterozygous state in multiple family members, only one of whom also had HCM (Mohiddin SA et al. Genet. Test., 2003;7:21-7; Alpert NR et al. Am. J. Physiol. Heart Circ. Physiol., 2005 Mar;288:H1097-102). This alteration has also been reported in other HCM cohorts, though clinical details were limited (Homburger JR et al. Proc. Natl. Acad. Sci. U.S.A., 2016 06;113:6701-6; Walsh R et al. Genet. Med., 2017 Feb;19:192-203). This alteration is located in the myosin head domain, which contains a statistically significant clustering of pathogenic missense variants (Homburger JR et al. Proc Natl Acad Sci U S A, 2016 06;113:6701-6; Walsh R et al. Genet Med, 2017 02;19:192-203; Ambry internal data). This amino acid position is well conserved in available vertebrate species. In addition, this alteration is predicted to be deleterious by in silico analysis. Since supporting evidence is limited at this time, the clinical significance of this alteration remains unclear.

PreventionGenetics, part of Exact Sciences
Classification: Likely pathogenic for MYH7-related condition. Last evaluated: 2026-04-09. Review status: criteria provided, single submitter. Criteria: ACMG Guidelines, 2015. Collection method: clinical testing. Allele origin: germline.
Comment: The MYH7 c.619A>C variant is predicted to result in the amino acid substitution p.Lys207Gln. This variant has also been noted in individuals with HCM from large affected cohorts, but no phenotype nor genotype details were provided (Bos et al. 2014. PubMed ID: 24793961; Table S1, Ho et al. 2018. PubMed ID: 30297972; Table S1, Mattivi et al. 2020. PubMed ID: 32894683). This variant has not been reported in a large population database (gnomAD), indicating this variant is rare and the majority of laboratories in ClinVar classify the variant as likely pathogenic (Variation ID: 177674). This variant is interpreted as likely pathogenic.

Institute of Immunology and Genetics Kaiserslautern
Classification: Likely pathogenic for Hypertrophic cardiomyopathy 1. Last evaluated: 2026-03-03. Review status: criteria provided, single submitter. Criteria: ACMG Guidelines, 2015. Collection method: clinical testing. Allele origin: germline.
Comment: ACMG Criteria: PS4_M, PM1, PM2_P, PP3; Variant was found in heterozygous state.

Clinical Genomics Laboratory, Washington University in St. Louis
Classification: Likely pathogenic for Hypertrophic cardiomyopathy 1. Last evaluated: 2026-02-25. Review status: criteria provided, single submitter. Criteria: ACMG Guidelines, 2015. Collection method: clinical testing. Allele origin: germline. Affected: yes.
Comment: The MYH7 c.619A>C (p.Lys207Gln) variant has been reported in multiple individuals affected with FHC. Two individuals were homozygous for the variant and at least three were heterozygous for the variant (Alpert NR et al., PMID: 15528230; Mohiddin SA et al., PMID: 12820698; Walsh R et al., PMID: 27532257). Segregation analysis in two unrelated families showed that the majority of the heterozygous relatives demonstrated resting sinus bradycardia or were asymptomatic (Alpert NR et al., PMID: 15528230; Mohiddin SA et al., PMID: 12820698). This variant resides within a mutational hotspot between amino acids 181-937, that involves the motor domain, lever arm, and part of the rod in HCM cases (Walsh R et al., PMID: 27532257). Computational predictors indicate that the variant is damaging, evidence that correlates with impact to MYH7 function. This variant has been reported in the ClinVar database as a germline likely pathogenic variant by seven submitters and a variant of uncertain significance by two submitters. Based on ACMG/AMP guidelines for variant interpretation (Richards S et al., PMID: 25741868) and the ClinGen Cardiomyopathy Expert panel specifications for MYH7 (Kelly MA et al., PMID: 29300372), the clinical significance of this variant is likely pathogenic.

Labcorp Genetics (formerly Invitae), Labcorp
Classification: Likely pathogenic for Hypertrophic cardiomyopathy. Last evaluated: 2025-08-20. Review status: criteria provided, single submitter. Criteria: Invitae Variant Classification Sherloc (09022015). Collection method: clinical testing. Allele origin: germline.
Comment: This sequence change replaces lysine, which is basic and polar, with glutamine, which is neutral and polar, at codon 207 of the MYH7 protein (p.Lys207Gln). This variant is not present in population databases (gnomAD no frequency). This missense change has been observed in the heterozygous and homozygous state in individuals with hypertrophic cardiomyopathy (PMID: 12820698, 15528230, 27247418, 27532257, 32894683; internal data). ClinVar contains an entry for this variant (Variation ID: 177674). Invitae Evidence Modeling of protein sequence and biophysical properties (such as structural, functional, and spatial information, amino acid conservation, physicochemical variation, residue mobility, and thermodynamic stability) indicates that this missense variant is expected to disrupt MYH7 protein function with a positive predictive value of 95%. In summary, the currently available evidence indicates that the variant is pathogenic, but additional data are needed to prove that conclusively. Therefore, this variant has been classified as Likely Pathogenic.

Color Diagnostics, LLC DBA Color Health
Classification: Likely pathogenic for Cardiomyopathy. Last evaluated: 2025-07-14. Review status: criteria provided, single submitter. Criteria: ACMG Guidelines, 2015. Collection method: clinical testing. Allele origin: germline.
Comment: This missense variant replaces lysine with glutamine at codon 207 of the MYH7 protein. This variant is found within a highly conserved region of the myosin head domain. Missense variants in this region have been shown to be significantly overrepresented in individuals with affected with hypertrophic cardiomyopathy (PMID: 27532257). Computational prediction suggests that this variant may have a deleterious impact on protein structure and function. To our knowledge, functional studies have not been reported for this variant. This variant has not been identified in the general population by the Genome Aggregation Database (gnomAD). Based on the available evidence, this variant is classified as Likely Pathogenic.

GeneDx
Classification: Uncertain significance. Last evaluated: 2025-01-06. Review status: criteria provided, single submitter. Criteria: GeneDx Variant Classification Process June 2021. Collection method: clinical testing. Allele origin: germline. Affected: yes.
Comment: The variant has been reported in association with HCM in one large family with a proband homozygous for the variant. The variant segregated with HCM in one family member (PMID: 12820698;15528230); Identified in the heterozygous state in other unrelated individuals with diagnosis of HCM in the published literature (PMID: 27532257; 27247418) and independently and/or in conjunction with additional cardiogenetic variants in individuals referred for cardiomyopathy at GeneDx, but segregation data is limited or absent at this time.; Not observed at significant frequency in large population cohorts (gnomAD); In silico analysis indicates that this missense variant does not alter protein structure/function; This variant is associated with the following publications: (PMID: 18391120, 21310275, 27247418, 28420666, 20298698, 12820698, 15528230, 37652022, 32894683, 27532257, 18761664, 29300372)

NM_000257.4(MYH7):c.619A>C (p.Lys207Gln)

Gene: MYH7 (myosin heavy chain 7; minus strand). Cytogenetic location: 14q11.2.
Variant type: single nucleotide variant.
Coding change: c.619A>C on transcript NM_000257.4 (MANE Select); coding-DNA position 619, A replaced by C.
Protein change: p.Lys207Gln; replaces lysine 207 with glutamine.
Molecular consequence: missense variant.
Genome position (GRCh38, 1-based): chr14:23,431,781, T>G on the plus strand (A>C on the coding strand, the complement: MYH7 is on the minus strand). VCF-style: chr14-23431781-T-G. GRCh37 (hg19) VCF-style: chr14-23900990-T-G.
Other names: short protein forms K207Q.
Identifiers: ClinVar variation 177674 (VCV000177674.38), dbSNP rs727504273, ClinGen allele CA016563.